The following is an entry in ClinVar:

ClinVar aggregate classification (germline): Uncertain significance (1 of 4 stars; one submission).

Allele frequency attached by ClinVar (database versions not stated): TOPMed below 0.00001; gnomAD exomes 0.00001.
gnomAD v4.1: 14 of 1,614,126 alleles (0.00087%); highest among the groups gnomAD compares: Admixed American, 0.005%; no homozygotes.

Submission:

Labcorp Genetics (formerly Invitae), Labcorp
Classification: Uncertain significance. Last evaluated: 2022-07-01. Review status: criteria provided, single submitter. Criteria: Invitae Variant Classification Sherloc (09022015). Collection method: clinical testing. Allele origin: germline.
Comment: This sequence change replaces alanine, which is neutral and non-polar, with threonine, which is neutral and polar, at codon 73 of the TK2 protein (p.Ala73Thr). This variant is present in population databases (no rsID available, gnomAD 0.004%). This variant has not been reported in the literature in individuals affected with TK2-related conditions. ClinVar contains an entry for this variant (Variation ID: 1374925). Advanced modeling of protein sequence and biophysical properties (such as structural, functional, and spatial information, amino acid conservation, physicochemical variation, residue mobility, and thermodynamic stability) performed at Invitae indicates that this missense variant is not expected to disrupt TK2 protein function. In summary, the available evidence is currently insufficient to determine the role of this variant in disease. Therefore, it has been classified as a Variant of Uncertain Significance.

NM_004614.5(TK2):c.217G>A (p.Ala73Thr)

Gene: TK2 (thymidine kinase 2; minus strand). Cytogenetic location: 16q21.
Variant type: single nucleotide variant.
Coding change: c.217G>A on transcript NM_004614.5 (MANE Select); coding-DNA position 217, G replaced by A.
Protein change: p.Ala73Thr; replaces alanine 73 with threonine.
Molecular consequence: missense variant. On other transcripts: 5 prime UTR variant (1), non-coding transcript variant (1), intron variant (1).
Genome position (GRCh38, 1-based): chr16:66,541,893, C>T on the plus strand (G>A on the coding strand, the complement: TK2 is on the minus strand). VCF-style: chr16-66541893-C-T. GRCh37 (hg19) VCF-style: chr16-66575796-C-T.
Other names: c.124G>A, p.Ala42Thr (NM_001172643.1, NM_001271935.1); c.217G>A, p.Ala73Thr (NM_001172645.2); c.70G>A, p.Ala24Thr (NM_001271934.2); c.-75G>A (NM_001272050.2); c.157-4876G>A (NM_001172644.2); short protein forms A73T, A24T, A42T.
Identifiers: ClinVar variation 1374925 (VCV001374925.3), dbSNP rs997780363, ClinGen allele CA282194622.